The following is an entry in ClinVar:

ClinVar aggregate classification (germline): Uncertain significance. Review status: reviewed by expert panel (3 of 4 stars). 22 submissions from 22 submitters: Uncertain significance (1). 21 of the submissions do not count toward it. Last evaluated 2025-11-13.

Conditions:
MYL3-related disorder. Also called: MYL3-related condition.
Cardiovascular phenotype. Identifiers: MedGen CN230736.
Cardiomyopathy (CMYO). Also called: Cardiomyopathies. Identifiers: Orphanet 167848, MedGen C0878544, MONDO:0004994, HP:0001638. Inheritance: Various modes of inheritance.
Hypertrophic cardiomyopathy 8. Also called: MYL3-Related Familial Hypertrophic Cardiomyopathy; CARDIOMYOPATHY, HYPERTROPHIC, MID-LEFT VENTRICULAR CHAMBER TYPE, 1. Identifiers: MedGen C1837471, MONDO:0012111, OMIM 608751.
MERRF syndrome (MERRF). Also called: Myoclonus with epilepsy with ragged red fibers; Myoencephalopathy ragged-red fiber disease; MYOCLONIC EPILEPSY ASSOCIATED WITH RAGGED-RED FIBERS. Identifiers: Orphanet 551, MedGen C0162672, MONDO:0010790, OMIM 545000.
Hypertrophic cardiomyopathy. Also called: HYPERTROPHIC MYOCARDIOPATHY. Identifiers: Orphanet 217569, MedGen C0007194, MeSH D002312, MONDO:0005045, HP:0001639.

Allele frequency attached by ClinVar (database versions not stated): TOPMed 0.00004.
gnomAD v4.1: 83 of 1,613,938 alleles (0.0051%); highest among the groups gnomAD compares: East Asian, 0.02%; no homozygotes.

Submissions 1 to 5 of 22:

ClinGen Cardiomyopathy Variant Curation Expert Panel
Classification: Uncertain significance for Hypertrophic cardiomyopathy. Last evaluated: 2025-11-13. Review status: reviewed by expert panel. Criteria: ClinGen CMP ACMG Specifications MYL3 V1.0.0. Collection method: curation. Allele origin: germline. Inheritance: Autosomal dominant inheritance.
Comment: NM_000258.3(MYL3):c.170C>G (p.Ala57Gly) - This variant has been reported in individuals with HCM (PMIDs: 11174330, 20641121, 31513939, 32380161, 324928950), but is not statistically increased in individuals with HCM compared to controls [OR lower 95% CI <5] with respect to autosomal dominant disease. Therefore, the PS4 criterion has not been applied. This variant is present in gnomAD (v2.1.1), but did not meet the threshold for PM2 or BS1. This variant segregated with HCM in 4 affected individuals from 1 family (PP1; PMID:20641121). Functional studies have been reported, but are insufficient to apply PS3 (PMID: 21885653, 22131351, 23748425, 29914921). Computational prediction tools suggest that this variant may impact the protein (REVEL score >0.7; PP3). In summary, this variant is classified as Uncertain Significance for HCM in an autosomal dominant manner based on PP1 and PP3. Evaluation of this variant with respect to autosomal recessive disease was outside the scope of the current specifications.

PreventionGenetics, part of Exact Sciences
Classification: Uncertain significance for MYL3-related condition. Last evaluated: 2026-06-21. Review status: criteria provided, single submitter. Criteria: ACMG Guidelines, 2015. Collection method: clinical testing. Allele origin: germline. Not counted in ClinVar's aggregate classification.
Comment: The MYL3 c.170C>G variant is predicted to result in the amino acid substitution p.Ala57Gly. This variant has been reported in multiple individuals with hypertrophic cardiomyopathy (HCM) (for example, see Table S1B, Walsh et al. 2017. PubMed ID: 27532257; Table S2, Chung et al. 2020. PubMed ID: 32380161; Table S2, Tadros et al. 2021. PubMed ID: 33495596) and has been shown to co-segregate with incomplete penetrance in two Korean families (Lee et al. 2001. PubMed ID: 11174330; long-term follow-up in Choi et al. 2010. PubMed ID: 20641121). An in vitro study in transfected rat cardiomyocytes reported that this variant led to partially reduced β-MYH binding affinity (Lossie et al. 2012. PubMed ID: 22131351). Multiple ex-vivo studies using cardiac muscle tissue from transgenic mice expressing p.Ala57Gly have reported some structural and functional changes relative to wild type muscle tissue, but it is unclear whether these changes are significant enough to be physiologically relevant with respect to HCM in humans (Muthu et al. 2011. PubMed ID: 21885653; Kazmierczak et al. 2013. PubMed ID: 23748425; Wang et al. 2018. PubMed ID: 29669825; Sitbon et al. 2020. PubMed ID: 32034976). This variant is reported in 0.027% of alleles in individuals of East Asian descent in gnomAD and has conflicting interpretations regarding its pathogenicity in ClinVar, ranging from uncertain to pathogenic (Variation ID: 31780). Although we suspect that this variant may be pathogenic, the clinical significance of this variant is uncertain at this time due to the absence of conclusive functional and genetic evidence.

3billion
Classification: Pathogenic for Hypertrophic cardiomyopathy 8. Last evaluated: 2026-01-21. Review status: criteria provided, single submitter. Criteria: ACMG Guidelines, 2015. Collection method: clinical testing. Allele origin: germline. Affected: yes. Not counted in ClinVar's aggregate classification.
Comment: The variant is observed at an extremely low frequency in the gnomAD v4.1.0 dataset (total allele frequency: 0.005%). Predicted Consequence/Location: Missense variant Functional studies provide supporting evidence of the variant having a damaging effect on the gene or gene product (PMID: 22131351, 23748425). In silico tool predictions suggest damaging effect of the variant on gene or gene product [REVEL: 0.78 (>=0.6, sensitivity 0.68 and specificity 0.92); 3Cnet: 0.93 (> 0.75, sensitivity 0.96 and precision 0.92)]. The same nucleotide change resulting in the same amino acid change has been previously reported as pathogenic/likely pathogenic with strong evidence (PMID: 11174330 /3billion dataset). The variant has been observed in at least two similarly affected unrelated individuals (PMID: 11174330, 20641121, 27532257, 29121657). The variant has been previously reported as assumed (i.e. paternity and maternity not confirmed) de novo in at least one similarly affected unrelated individual (3billion dataset). The variant has been reported to co-segregate with the disease in at least 3 similarly affected relatives/individuals in the same family or similarly affected unrelated families (PMID: 11174330). Therefore, this variant is classified as Pathogenic according to the recommendation of ACMG/AMP guideline.

Labcorp Genetics (formerly Invitae), Labcorp
Classification: Uncertain significance for Hypertrophic cardiomyopathy. Last evaluated: 2025-12-16. Review status: criteria provided, single submitter. Criteria: Invitae Variant Classification Sherloc (09022015). Collection method: clinical testing. Allele origin: germline. Not counted in ClinVar's aggregate classification.
Comment: This sequence change replaces alanine, which is neutral and non-polar, with glycine, which is neutral and non-polar, at codon 57 of the MYL3 protein (p.Ala57Gly). This variant is present in population databases (rs139794067, gnomAD 0.03%). This missense change has been observed in individual(s) with hypertrophic cardiomyopathy (PMID: 11174330, 20641121, 27532257, 28193612, 29121657, 31513939, 32380161, 33407484). It has also been observed to segregate with disease in related individuals. ClinVar contains an entry for this variant (Variation ID: 31780). An algorithm developed to predict the effect of missense changes on protein structure and function (PolyPhen-2) suggests that this variant is likely to be disruptive. Experimental studies have shown that this missense change affects MYL3 function (PMID: 22131351, 23748425). In summary, the available evidence is currently insufficient to determine the role of this variant in disease. Therefore, it has been classified as a Variant of Uncertain Significance.

Johns Hopkins Genomics, Johns Hopkins University
Classification: Uncertain significance for MERRF syndrome. Last evaluated: 2025-08-24. Review status: criteria provided, single submitter. Criteria: ACMG Guidelines, 2015. Collection method: clinical testing. Allele origin: germline. Not counted in ClinVar's aggregate classification.
Comment: This MYL3 variant (rs139794067) is rare (<0.1%) in a large population dataset (gnomAD v4.1.0: 83/1613938 total alleles; 0.005%; no homozygotes) and has been reported in ClinVar (Variation ID: 31780). This variant has been reported in the heterozygous state in multiple individuals affected with hypertrophic cardiomyopathy (HCM) and shown to co-segregate with HCM in two unrelated Korean families. Of three bioinformatics tools queried, two predict that this substitution would be damaging (SIFT: 0.03, REVEL: 0.78), while another predicts that it would be tolerated (PP2HumVar: 0.404). The alanine residue at this position is strongly conserved across the vertebrate species assessed. In vivo and in vitro experimental studies provide some evidence that this variant effects protein function, but the magnitude of changes reported may not accurately represent biological impact. Due to insufficient evidence that this variant is deleterious, we consider the clinical significance of c.170C>G to be uncertain at this time.

NM_000258.3(MYL3):c.170C>G (p.Ala57Gly)

Gene: MYL3 (myosin light chain 3; minus strand). Cytogenetic location: 3p21.31.
Variant type: single nucleotide variant.
Coding change: c.170C>G on transcript NM_000258.3 (MANE Select); coding-DNA position 170, C replaced by G.
Protein change: p.Ala57Gly; replaces alanine 57 with glycine.
Molecular consequence: missense variant.
Genome position (GRCh38, 1-based): chr3:46,860,813, G>C on the plus strand (C>G on the coding strand, the complement: MYL3 is on the minus strand). VCF-style: chr3-46860813-G-C. GRCh37 (hg19) VCF-style: chr3-46902303-G-C.
Other names: p.A57G:GCC>GGC; short protein forms A57G.
Identifiers: ClinVar variation 31780 (VCV000031780.55), dbSNP rs139794067, ClinGen allele CA013589.
Genomic context (GRCh38, chr3:46,860,813, plus strand): 5'-CCACACTGCCCGTAGGTGATCTTCATCTCACACTTGGGTGTGCGGTCGAACAGCATGAAG[G>C]CTTCCTTGAACTCTGCCAGGAGAGGGCAGTGAGCCACAGACACTCCCAGGGTCAGCCTAC-3'
Protein context (NP_000249.1, residues 47-67): TPEQIEEFKE[Ala57Gly]FMLFDRTPKC